The following is an entry in ClinVar:

NM_032656.4(DHX37):c.2032G>A (p.Gly678Ser)

Gene: DHX37 (DEAH-box helicase 37; minus strand). Cytogenetic location: 12q24.31.
Variant type: single nucleotide variant.
Coding change: c.2032G>A on transcript NM_032656.4 (MANE Select); coding-DNA position 2032, G replaced by A.
Protein change: p.Gly678Ser; replaces glycine 678 with serine.
Molecular consequence: missense variant.
Genome position (GRCh38, 1-based): chr12:124,964,407, C>T on the plus strand (G>A on the coding strand, the complement: DHX37 is on the minus strand). VCF-style: chr12-124964407-C-T. GRCh37 (hg19) VCF-style: chr12-125448953-C-T.
Other names: short protein forms G678S.
Identifiers: ClinVar variation 2888618 (VCV002888618.3), dbSNP rs746007936, ClinGen allele CA6871804.

ClinVar aggregate classification (germline): Uncertain significance (1 of 4 stars; one submission).

Allele frequency attached by ClinVar (database versions not stated): gnomAD 0.00001; ExAC 0.00002; TOPMed 0.00002; gnomAD exomes 0.00001.
gnomAD v4.1: 17 of 1,613,450 alleles (0.0011%); highest among the groups gnomAD compares: Non-Finnish European, 0.0014%; no homozygotes.

Submission:

Labcorp Genetics (formerly Invitae), Labcorp
Classification: Uncertain significance. Last evaluated: 2025-10-02. Review status: criteria provided, single submitter. Criteria: Invitae Variant Classification Sherloc (09022015). Collection method: clinical testing. Allele origin: germline.
Comment: This sequence change replaces glycine, which is neutral and non-polar, with serine, which is neutral and polar, at codon 678 of the DHX37 protein (p.Gly678Ser). This variant is present in population databases (rs746007936, gnomAD 0.004%). This variant has not been reported in the literature in individuals affected with DHX37-related conditions. ClinVar contains an entry for this variant (Variation ID: 2888618). Invitae Evidence Modeling of protein sequence and biophysical properties (such as structural, functional, and spatial information, amino acid conservation, physicochemical variation, residue mobility, and thermodynamic stability) indicates that this missense variant is expected to disrupt DHX37 protein function with a positive predictive value of 80%. In summary, the available evidence is currently insufficient to determine the role of this variant in disease. Therefore, it has been classified as a Variant of Uncertain Significance.